The following is an entry in ClinVar:

NM_052897.4(MBD6):c.2007C>A (p.Ala669=)

Gene: MBD6 (methyl-CpG binding domain protein 6; plus strand). Cytogenetic location: 12q13.3.
Variant type: single nucleotide variant.
Coding change: c.2007C>A on transcript NM_052897.4 (MANE Select); coding-DNA position 2007, C replaced by A.
Protein change: p.Ala669=; no amino-acid change (alanine 669 retained).
Molecular consequence: synonymous variant.
Genome position (GRCh38, 1-based): chr12:57,527,152, C>A. VCF-style: chr12-57527152-C-A. GRCh37 (hg19) VCF-style: chr12-57920935-C-A.
Identifiers: ClinVar variation 769391 (VCV000769391.6), dbSNP rs76917839, ClinGen allele CA6651587.

ClinVar aggregate classification (germline): Benign. Review status: criteria provided, multiple submitters, no conflicts (2 of 4 stars). 3 submissions from 3 submitters: Benign (2). 1 of the submissions does not count toward it. Last evaluated 2018-03-29.

Conditions:
MBD6-related disorder. Also called: MBD6-related condition.

Allele frequency attached by ClinVar (database versions not stated): 1000 Genomes Project 30x 0.00890; TOPMed 0.01105; ESP Exome Variant Server 0.01325; 1000 Genomes Project 0.00859.
gnomAD v4.1: 4,898 of 1,449,644 alleles (0.34%); highest among the groups gnomAD compares: African/African-American, 3.1%; 33 homozygotes.

Submissions (3):

Labcorp Genetics (formerly Invitae), Labcorp
Classification: Benign. Last evaluated: 2018-03-29. Review status: criteria provided, single submitter. Criteria: Invitae Variant Classification Sherloc (09022015). Collection method: clinical testing. Allele origin: germline.

Breakthrough Genomics
Classification: Benign. Review status: criteria provided, single submitter. Criteria: ACMG Guidelines, 2015. Collection method: not provided. Allele origin: germline. Inheritance: Unknown mechanism. Affected: yes.

PreventionGenetics, part of Exact Sciences
Classification: Benign for MBD6-related condition. Last evaluated: 2019-05-08. Review status: no assertion criteria provided. Collection method: clinical testing. Allele origin: germline. Not counted in ClinVar's aggregate classification.
Comment: This variant is classified as benign based on ACMG/AMP sequence variant interpretation guidelines (Richards et al. 2015 PMID: 25741868, with internal and published modifications).